The following is an entry in ClinVar:

ClinVar aggregate classification (germline): Likely pathogenic (1 of 4 stars; one submission).

Submission:

GeneDx
Classification: Likely pathogenic. Last evaluated: 2018-12-27. Review status: criteria provided, single submitter. Criteria: GeneDx Variant Classification (06012015). Collection method: clinical testing. Allele origin: germline. Affected: yes.
Comment: The E1417X variant in the CLTC gene has not been reported previously as a pathogenic variant nor as a benign variant, to our knowledge. This variant is predicted to cause loss of normal protein function either through protein truncation or nonsense-mediated mRNA decay. The E1417X variant is not observed in large population cohorts (Lek et al., 2016). We interpret E1417X as a likely pathogenic variant.

NM_004859.4(CLTC):c.4237G>T (p.Glu1413Ter)

Genes: CLTC (clathrin heavy chain; plus strand), LOC126862609 (CDK7 strongly-dependent group 2 enhancer GRCh37_chr17:57760547-57761746; plus strand). Cytogenetic location: 17q23.1.
Variant type: single nucleotide variant.
Coding change: c.4237G>T on transcript NM_004859.4 (MANE Select); coding-DNA position 4237, G replaced by T.
Protein change: p.Glu1413Ter; replaces glutamic acid 1413 with a stop codon.
Molecular consequence: nonsense.
Genome position (GRCh38, 1-based): chr17:59,683,670, G>T. VCF-style: chr17-59683670-G-T. GRCh37 (hg19) VCF-style: chr17-57761031-G-T.
Other names: c.4249G>T, p.Glu1417Ter (NM_001288653.2); short protein forms E1417*, E1413*.
Identifiers: ClinVar variation 620512 (VCV000620512.1), dbSNP rs1567971126, ClinGen allele CA400421158.